The following is an entry in ClinVar:

ClinVar aggregate classification (germline): Likely benign. Review status: criteria provided, multiple submitters, no conflicts (2 of 4 stars). 3 submissions from 3 submitters: Likely benign (2). 1 of the submissions does not count toward it. Last evaluated 2026-01-14.

Conditions:
TTC8-related disorder. Also called: TTC8-related condition.
Bardet-Biedl syndrome (BBS). Identifiers: Orphanet 110, MedGen C0752166, MONDO:0015229.

Allele frequency attached by ClinVar (database versions not stated): TOPMed 0.00002; gnomAD 0.00005 and 0.00011; gnomAD exomes 0.00009 and 0.00017; ExAC 0.00024; 1000 Genomes Project 30x 0.00078; 1000 Genomes Project 0.00100.
gnomAD v4.1: 146 of 1,614,076 alleles (0.009%); highest among the groups gnomAD compares: South Asian, 0.094%; no homozygotes.

Submissions (3):

Labcorp Genetics (formerly Invitae), Labcorp
Classification: Likely benign for Bardet-Biedl syndrome. Last evaluated: 2026-01-14. Review status: criteria provided, single submitter. Criteria: Invitae Variant Classification Sherloc (09022015). Collection method: clinical testing. Allele origin: germline.

Blueprint Genetics
Classification: Likely benign. Last evaluated: 2024-06-19. Review status: criteria provided, single submitter. Criteria: ACMG Guidelines, 2015. Collection method: clinical testing. Allele origin: germline.

PreventionGenetics, part of Exact Sciences
Classification: Likely benign for TTC8-related condition. Last evaluated: 2021-05-20. Review status: no assertion criteria provided. Collection method: clinical testing. Allele origin: germline. Not counted in ClinVar's aggregate classification.
Comment: This variant is classified as likely benign based on ACMG/AMP sequence variant interpretation guidelines (Richards et al. 2015 PMID: 25741868, with internal and published modifications).

NM_144596.4(TTC8):c.357T>C (p.Ile119=)

Gene: TTC8 (tetratricopeptide repeat domain 8; plus strand). Cytogenetic location: 14q31.3.
Variant type: single nucleotide variant.
Coding change: c.357T>C on transcript NM_144596.4 (MANE Select); coding-DNA position 357, T replaced by C.
Protein change: p.Ile119=; no amino-acid change (isoleucine 119 retained).
Molecular consequence: synonymous variant. On other transcripts: 5 prime UTR variant (2), non-coding transcript variant (1).
Genome position (GRCh38, 1-based): chr14:88,841,064, T>C. VCF-style: chr14-88841064-T-C. GRCh37 (hg19) VCF-style: chr14-89307408-T-C.
Other names: c.357T>C (NM_144596.3); c.327T>C, p.Ile109= (NM_001288781.1, NM_001366535.2, NM_001366536.2 and 2 more transcripts); c.-236T>C (NM_001288782.1); c.-331T>C (NM_001288783.1).
Identifiers: ClinVar variation 415628 (VCV000415628.12), dbSNP rs567203939, ClinGen allele CA7302451.